The following is an entry in ClinVar:

ClinVar aggregate classification (germline): Uncertain significance (1 of 4 stars; one submission).

Conditions:
GNAS-related disorder. Identifiers: MedGen CN380105.

gnomAD v4.1: 8 of 1,604,634 alleles (0.0005%); highest among the groups gnomAD compares: African/African-American, 0.0054%; no homozygotes.

Submission:

PreventionGenetics, part of Exact Sciences
Classification: Uncertain significance for GNAS-related condition. Last evaluated: 2025-07-09. Review status: criteria provided, single submitter. Criteria: ACMG Guidelines, 2015. Collection method: clinical testing. Allele origin: germline.
Comment: The GNAS c.449C>T variant is predicted to result in the amino acid substitution p.Pro150Leu. In the primary transcript listed in the Human Gene Mutation Database (HGMD), this variant is pre-coding (NM_000516, c.-37826C>T). To our knowledge, this variant has not been reported in the literature. This variant is reported in 0.0035% of alleles in individuals of South Asian descent in gnomAD. At this time, the clinical significance of this variant is uncertain due to the absence of conclusive functional and genetic evidence.

NM_080425.4(GNAS):c.636C>T (p.Ser212=)

Gene: GNAS (GNAS complex locus; plus strand). Cytogenetic location: 20q13.32.
Variant type: single nucleotide variant.
Coding change: c.636C>T on transcript NM_080425.4 (MANE Plus Clinical); coding-DNA position 636, C replaced by T.
Protein change: p.Ser212=; no amino-acid change (serine 212 retained).
Molecular consequence: synonymous variant. On other transcripts: missense variant (2), intron variant (3).
Genome position (GRCh38, 1-based): chr20:58,853,901, C>T. VCF-style: chr20-58853901-C-T. GRCh37 (hg19) VCF-style: chr20-57428956-C-T.
Other names: c.449C>T, p.Pro150Leu (NM_001077490.3, NM_001309883.1); c.636C>T, p.Ser212= (NM_001410913.1); c.*42+13015C>T (NM_016592.5); c.43+13015C>T (NM_001410912.1); c.-39+12026C>T (NM_001309861.2); short protein forms P150L.
Identifiers: ClinVar variation 4989487 (VCV004989487.1).